The following is an entry in ClinVar:

ClinVar aggregate classification (germline): Uncertain significance (1 of 4 stars; one submission).

Conditions:
Pyruvate carboxylase deficiency. Also called: ATAXIA WITH LACTIC ACIDOSIS II; Pyruvate Carboxylase Deficiency Disease; LEIGH NECROTIZING ENCEPHALOPATHY DUE TO PYRUVATE CARBOXYLASE DEFICIENCY; LEIGH SYNDROME DUE TO PYRUVATE CARBOXYLASE DEFICIENCY; PC DEFICIENCY. Identifiers: Orphanet 3008, MedGen C0034341, MONDO:0009949, OMIM 266150.

Submission:

Labcorp Genetics (formerly Invitae), Labcorp
Classification: Uncertain significance for Pyruvate carboxylase deficiency. Last evaluated: 2022-11-29. Review status: criteria provided, single submitter. Criteria: Invitae Variant Classification Sherloc (09022015). Collection method: clinical testing. Allele origin: germline.
Comment: ClinVar contains an entry for this variant (Variation ID: 1024057). This variant has not been reported in the literature in individuals affected with PC-related conditions. Advanced modeling of protein sequence and biophysical properties (such as structural, functional, and spatial information, amino acid conservation, physicochemical variation, residue mobility, and thermodynamic stability) performed at Invitae indicates that this missense variant is not expected to disrupt PC protein function. In summary, the available evidence is currently insufficient to determine the role of this variant in disease. Therefore, it has been classified as a Variant of Uncertain Significance. This sequence change replaces isoleucine, which is neutral and non-polar, with valine, which is neutral and non-polar, at codon 86 of the PC protein (p.Ile86Val). This variant is not present in population databases (gnomAD no frequency).

NM_001040716.2(PC):c.256A>G (p.Ile86Val)

Gene: PC (pyruvate carboxylase; minus strand). Cytogenetic location: 11q13.2.
Variant type: single nucleotide variant.
Coding change: c.256A>G on transcript NM_001040716.2 (MANE Select); coding-DNA position 256, A replaced by G.
Protein change: p.Ile86Val; replaces isoleucine 86 with valine.
Molecular consequence: missense variant.
Genome position (GRCh38, 1-based): chr11:66,871,752, T>C on the plus strand (A>G on the coding strand, the complement: PC is on the minus strand). VCF-style: chr11-66871752-T-C. GRCh37 (hg19) VCF-style: chr11-66639223-T-C.
Other names: c.256A>G, p.Ile86Val (NM_000920.4, NM_022172.3); short protein forms I86V.
Identifiers: ClinVar variation 1024057 (VCV001024057.8), dbSNP rs1946744013, ClinGen allele CA381502837.
Genomic context (GRCh38, chr11:66,871,752, plus strand): 5'-CCACCTTGATGATGTCTGGGATGTGCAGGTAGGCCTGCACGGGGGCCAGGCCGCGGCCGA[T>C]GAGATAGGCTTCATCTGCTTTCTGCCGGTGCATCTGGCCCGTGTCCTGCTCAGAGTAGAT-3'
Protein context (NP_001035806.1, residues 76-96): HRQKADEAYL[Ile86Val]GRGLAPVQAY